The following is an entry in ClinVar:

NM_015335.5(MED13L):c.3848G>A (p.Arg1283Gln)

Gene: MED13L (mediator complex subunit 13L; minus strand). Cytogenetic location: 12q24.21.
Variant type: single nucleotide variant.
Coding change: c.3848G>A on transcript NM_015335.5 (MANE Select); coding-DNA position 3848, G replaced by A.
Protein change: p.Arg1283Gln; replaces arginine 1283 with glutamine.
Molecular consequence: missense variant.
Genome position (GRCh38, 1-based): chr12:115,991,106, C>T on the plus strand (G>A on the coding strand, the complement: MED13L is on the minus strand). VCF-style: chr12-115991106-C-T. GRCh37 (hg19) VCF-style: chr12-116428911-C-T.
Other names: c.3848G>A (NM_015335.4); short protein forms R1283Q.
Identifiers: ClinVar variation 2913572 (VCV002913572.4), dbSNP rs747696546, ClinGen allele CA6810927.

ClinVar aggregate classification (germline): Conflicting classifications of pathogenicity. Review status: criteria provided, conflicting classifications (1 of 4 stars). 2 submissions from 2 submitters: Uncertain significance (1); Likely benign (1). Last evaluated 2025-08-21.

Conditions:
Inborn genetic diseases. Identifiers: MedGen C0950123, MeSH D030342.
Dextro-looped transposition of the great arteries. Also called: Dextrotransposition of the great arteries. Identifiers: Orphanet 860, MedGen C3531771, MONDO:0019443, OMIM 608808, HP:0031348.

Allele frequency attached by ClinVar (database versions not stated): TOPMed below 0.00001; ExAC 0.00001; gnomAD exomes below 0.00001.
gnomAD v4.1: 5 of 1,614,152 alleles (0.00031%); highest among the groups gnomAD compares: South Asian, 0.0011%; no homozygotes.

Submissions (2):

Ambry Genetics
Classification: Likely benign for Inborn genetic diseases. Last evaluated: 2025-08-21. Review status: criteria provided, single submitter. Criteria: Ambry Variant Classification Scheme 2023. Collection method: clinical testing. Allele origin: germline.

Labcorp Genetics (formerly Invitae), Labcorp
Classification: Uncertain significance for Dextro-looped transposition of the great arteries. Last evaluated: 2025-06-10. Review status: criteria provided, single submitter. Criteria: Invitae Variant Classification Sherloc (09022015). Collection method: clinical testing. Allele origin: germline.
Comment: This sequence change replaces arginine, which is basic and polar, with glutamine, which is neutral and polar, at codon 1283 of the MED13L protein (p.Arg1283Gln). This variant is present in population databases (rs747696546, gnomAD 0.0009%). This variant has not been reported in the literature in individuals affected with MED13L-related conditions. ClinVar contains an entry for this variant (Variation ID: 2913572). Invitae Evidence Modeling of protein sequence and biophysical properties (such as structural, functional, and spatial information, amino acid conservation, physicochemical variation, residue mobility, and thermodynamic stability) indicates that this missense variant is not expected to disrupt MED13L protein function with a negative predictive value of 80%. In summary, the available evidence is currently insufficient to determine the role of this variant in disease. Therefore, it has been classified as a Variant of Uncertain Significance.